The following is an entry in ClinVar:

ClinVar aggregate classification (germline): Uncertain significance (1 of 4 stars; one submission).

Allele frequency attached by ClinVar (database versions not stated): gnomAD exomes 0.00001 and 0.00002; TOPMed 0.00002; gnomAD 0.00006; 1000 Genomes Project 30x 0.00016; 1000 Genomes Project 0.00020.

Submission:

Labcorp Genetics (formerly Invitae), Labcorp
Classification: Uncertain significance. Last evaluated: 2021-03-20. Review status: criteria provided, single submitter. Criteria: Invitae Variant Classification Sherloc (09022015). Collection method: clinical testing. Allele origin: germline.
Comment: In summary, the available evidence is currently insufficient to determine the role of this variant in disease. Therefore, it has been classified as a Variant of Uncertain Significance. Algorithms developed to predict the effect of sequence changes on RNA splicing suggest that this variant may create or strengthen a splice site, but this prediction has not been confirmed by published transcriptional studies. Algorithms developed to predict the effect of missense changes on protein structure and function are either unavailable or do not agree on the potential impact of this missense change (SIFT: "Deleterious"; PolyPhen-2: "Benign"; Align-GVGD: "Class C0"). This variant has not been reported in the literature in individuals with LRRC8A-related conditions. This variant is not present in population databases (ExAC no frequency). This sequence change replaces arginine with glutamine at codon 541 of the LRRC8A protein (p.Arg541Gln). The arginine residue is highly conserved and there is a small physicochemical difference between arginine and glutamine.

NM_019594.4(LRRC8A):c.1622G>A (p.Arg541Gln)

Gene: LRRC8A (leucine rich repeat containing 8 VRAC subunit A; plus strand). Cytogenetic location: 9q34.11.
Variant type: single nucleotide variant.
Coding change: c.1622G>A on transcript NM_019594.4 (MANE Select); coding-DNA position 1622, G replaced by A.
Protein change: p.Arg541Gln; replaces arginine 541 with glutamine.
Molecular consequence: missense variant.
Genome position (GRCh38, 1-based): chr9:128,908,786, G>A. VCF-style: chr9-128908786-G-A. GRCh37 (hg19) VCF-style: chr9-131671065-G-A.
Other names: c.1622G>A, p.Arg541Gln (NM_001127244.2, NM_001127245.2); short protein forms R541Q.
Identifiers: ClinVar variation 1351515 (VCV001351515.8), dbSNP rs191083204, ClinGen allele CA200416225.